The following is an entry in ClinVar:

ClinVar aggregate classification (germline): Uncertain significance (1 of 4 stars; one submission).

Conditions:
Malignant hyperthermia, susceptibility to, 5 (MHS5). Also called: CACNA1S-Related Malignant Hyperthermia Susceptibility. Identifiers: Orphanet 423, MedGen C1866077, MONDO:0011163, OMIM 601887.

Submission:

All of Us Research Program, National Institutes of Health
Classification: Uncertain significance for Malignant hyperthermia, susceptibility to, 5. Last evaluated: 2023-10-23. Review status: criteria provided, single submitter. Criteria: ACMG Guidelines, 2015. Collection method: clinical testing. Allele origin: germline. Inheritance: Autosomal dominant inheritance. Observed: 1 variant allele, 1 heterozygote.
Comment: This missense variant replaces valine with alanine at codon 1793 of the CACNA1S protein. Computational prediction suggests that this variant may not impact protein structure and function (internally defined REVEL score threshold <= 0.5, PMID: 27666373). To our knowledge, functional studies have not been reported for this variant. This variant has not been reported in individuals affected with CACNA1S-related disorders in the literature. This variant has not been identified in the general population by the Genome Aggregation Database (gnomAD). The available evidence is insufficient to determine the role of this variant in disease conclusively. Therefore, this variant is classified as a Variant of Uncertain Significance.

This study involves interpretation of variants in research participants for the purpose of population health screening. Participant phenotype was not available at the time of variant classification. Additional details can be found in publication PMID: 35346344, PMCID: PMC8962531

NM_000069.3(CACNA1S):c.5378T>C (p.Val1793Ala)

Gene: CACNA1S (calcium voltage-gated channel subunit alpha1 S; minus strand). Cytogenetic location: 1q32.1.
Variant type: single nucleotide variant.
Coding change: c.5378T>C on transcript NM_000069.3 (MANE Select); coding-DNA position 5378, T replaced by C.
Protein change: p.Val1793Ala; replaces valine 1793 with alanine.
Molecular consequence: missense variant.
Genome position (GRCh38, 1-based): chr1:201,040,075, A>G on the plus strand (T>C on the coding strand, the complement: CACNA1S is on the minus strand). VCF-style: chr1-201040075-A-G. GRCh37 (hg19) VCF-style: chr1-201009203-A-G.
Other names: short protein forms V1793A.
Identifiers: ClinVar variation 3074091 (VCV003074091.1), dbSNP rs2464388021, ClinGen allele CA344129970.
Genomic context (GRCh38, chr1:201,040,075, plus strand): 5'-GCCTGGCCTGTTGCCATGATGAAGTTTGCATCAGCTGCCAAGGTGCCCAGGCCCCCTCGA[A>G]CCAGAGCCTGCAGGGAGGAGAGTAGGCTGAGTGGGGTCTTCCTGGGGAGCCACATTTGGG-3'
Protein context (NP_000060.2, residues 1783-1803): ATALLIQKAL[Val1793Ala]RGGLGTLAAD